The following is an entry in ClinVar:

NM_000059.4(BRCA2):c.6010_6014del (p.Ile2003_Glu2004insTer)

Gene: BRCA2 (BRCA2 DNA repair associated; plus strand). Cytogenetic location: 13q13.1.
Variant type: Deletion.
Coding change: c.6010_6014del on transcript NM_000059.4 (MANE Select); coding-DNA positions 6010 to 6014, 5 bases deleted (GAAGA; older notation c.6010_6014delGAAGA).
Protein change: p.Ile2003_Glu2004insTer.
Molecular consequence: nonsense.
Genome position (GRCh38, 1-based): chr13:32,340,365-32,340,369, GAAGA deleted; deleting any 5 consecutive bases within chr13:32,340,364-32,340,369 gives the same sequence; the c. name uses the placement nearest the transcript's 3' end. VCF-style (leftmost placement, unchanged base first): chr13-32340363-TAGAAG-T. GRCh37 (hg19) VCF-style: chr13-32914500-TAGAAG-T.
Other names: 6238_6242delGAAGA.
Identifiers: ClinVar variation 266913 (VCV000266913.5), dbSNP rs761799851, ClinGen allele CA10589344.

ClinVar aggregate classification (germline): Pathogenic. Review status: reviewed by expert panel (3 of 4 stars). 2 submissions from 2 submitters: Pathogenic (1). 1 of the submissions does not count toward it. Last evaluated 2016-10-18.

Conditions:
Breast-ovarian cancer, familial, susceptibility to, 2 (BROVCA2). Also called: BRCA2 Hereditary Breast and Ovarian Cancer. Identifiers: Orphanet 145, MedGen C2675520, MONDO:0012933, OMIM 612555. Disease mechanism: loss of function.

Submissions (2):

Evidence-based Network for the Interpretation of Germline Mutant Alleles (ENIGMA)
Classification: Pathogenic for Breast-ovarian cancer, familial, susceptibility to, 2. Last evaluated: 2016-10-18. Review status: reviewed by expert panel. Criteria: ENIGMA BRCA1/2 Classification Criteria (2015). Collection method: curation. Allele origin: germline.
Comment: Variant allele predicted to encode a truncated non-functional protein.

Consortium of Investigators of Modifiers of BRCA1/2 (CIMBA), c/o University of Cambridge
Classification: Pathogenic for Breast-ovarian cancer, familial, susceptibility to, 2. Last evaluated: 2015-10-02. Review status: criteria provided, single submitter. Criteria: CIMBA Mutation Classification guidelines May 2016. Collection method: clinical testing. Allele origin: germline. Not counted in ClinVar's aggregate classification.